The following is an entry in ClinVar:

NM_007294.4(BRCA1):c.*1287C>T

Gene: BRCA1 (BRCA1 DNA repair associated; minus strand). Cytogenetic location: 17q21.31.
Variant type: single nucleotide variant.
Coding change: c.*1287C>T on transcript NM_007294.4 (MANE Select); 1287 bases downstream of the stop codon, C replaced by T.
Molecular consequence: 3 prime UTR variant. On other transcripts: non-coding transcript variant (1).
Genome position (GRCh38, 1-based): chr17:43,044,391, G>A on the plus strand (C>T on the coding strand, the complement: BRCA1 is on the minus strand). VCF-style: chr17-43044391-G-A. GRCh37 (hg19) VCF-style: chr17-41196408-G-A.
Other names: 6998 C>T; c.*1287C>T (NM_001407571.1, NM_001407581.1, NM_001407582.1 and 348 more transcripts); c.*1393C>T (NM_001407854.1, NM_001407858.1, NM_001407859.1 and 14 more transcripts).
Identifiers: ClinVar variation 132777 (VCV000132777.12), dbSNP rs12516, ClinGen allele CA000842.

ClinVar aggregate classification (germline): Benign. Review status: reviewed by expert panel (3 of 4 stars). 8 submissions from 8 submitters: Benign (1). 7 of the submissions do not count toward it. Last evaluated 2015-01-12.

Conditions:
Breast-ovarian cancer, familial, susceptibility to, 1 (BROVCA1). Also called: BRCA1 Hereditary Breast and Ovarian Cancer; OVARIAN CANCER, SUSCEPTIBILITY TO. Identifiers: Orphanet 145, MedGen C2676676, MONDO:0011450, OMIM 604370. Disease mechanism: loss of function.

Allele frequency attached by ClinVar (database versions not stated): TOPMed 0.29165; gnomAD 0.30331 and 0.31055; 1000 Genomes Project 30x 0.33448; 1000 Genomes Project 0.34225; gnomAD exomes 0.34235 and 0.35191; ExAC 0.44485.
gnomAD v4.1: 171,095 of 504,982 alleles (34%); highest among the groups gnomAD compares: South Asian, 50%; 30,788 homozygotes.

Submissions (8):

Evidence-based Network for the Interpretation of Germline Mutant Alleles (ENIGMA)
Classification: Benign for Breast-ovarian cancer, familial 1. Last evaluated: 2015-01-12. Review status: reviewed by expert panel. Criteria: ENIGMA BRCA1/2 Classification Criteria (2015). Collection method: curation. Allele origin: germline.
Comment: Class 1 not pathogenic based on frequency >1% in an outbred sampleset. Frequency 0.3339 (Asian), 0.2114 (African), 0.3602 (European), derived from 1000 genomes (2012-04-30).

Blueprint Genetics
Classification: Likely benign. Last evaluated: 2024-11-28. Review status: criteria provided, single submitter. Criteria: ACMG Guidelines, 2015. Collection method: clinical testing. Allele origin: germline. Not counted in ClinVar's aggregate classification.

GeneDx
Classification: Benign. Last evaluated: 2019-06-14. Review status: criteria provided, single submitter. Criteria: GeneDx Variant Classification Process June 2021. Collection method: clinical testing. Allele origin: germline. Affected: yes. Not counted in ClinVar's aggregate classification.

Illumina Laboratory Services, Illumina
Classification: Benign for Breast-ovarian cancer, familial, susceptibility to, 1. Last evaluated: 2018-01-12. Review status: criteria provided, single submitter. Criteria: ICSL Variant Classification Criteria 13 December 2019. Collection method: clinical testing. Allele origin: germline. Not counted in ClinVar's aggregate classification.
Comment: This variant was observed in the ICSL laboratory as part of a predisposition screen in an ostensibly healthy population. It had not been previously curated by ICSL or reported in the Human Gene Mutation Database (HGMD: prior to June 1st, 2018), and was therefore a candidate for classification through an automated scoring system. Utilizing variant allele frequency, disease prevalence and penetrance estimates, and inheritance mode, an automated score was calculated to assess if this variant is too frequent to cause the disease. Based on the score and internal cut-off values, a variant classified as benign is not then subjected to further curation. The score for this variant resulted in a classification of benign for this disease.

GeneKor MSA
Classification: Benign. Last evaluated: 2017-11-01. Review status: criteria provided, single submitter. Criteria: ACMG Guidelines, 2015. Collection method: clinical testing. Allele origin: germline. Affected: yes. Not counted in ClinVar's aggregate classification.

Breakthrough Genomics
Classification: Benign. Review status: criteria provided, single submitter. Criteria: ACMG Guidelines, 2015. Collection method: not provided. Allele origin: germline. Inheritance: Autosomal recessive inheritance. Affected: yes. Not counted in ClinVar's aggregate classification.

School of Public Health, China Medical University
Classification: Likely risk allele. Last evaluated: 2019-10-01. Review status: no assertion criteria provided. Collection method: research. Allele origin: unknown. Affected: yes. Not counted in ClinVar's aggregate classification.
Comment: Class 1 not pathogenic based on frequency >1% in an outbred sampleset. Frequency 0.3339 (Asian), 0.2114 (African), 0.3602 (European), derived from 1000 genomes (2012-04-30).t Publications:pubmed 33986610,32414209,29963045

Counsyl
Classification: Benign for Breast-ovarian cancer, familial 1. Last evaluated: 2014-01-02. Review status: no assertion criteria provided. Collection method: literature only. Allele origin: unknown. Inheritance: Autosomal dominant inheritance. Not counted in ClinVar's aggregate classification.
Comment: 1kG or ESP high frequency. This submission and the accompanying classification are no longer maintained by the submitter.

Literature cited by the submitters: PMC 4812322 (cited by School of Public Health, China Medical University).